The following is an entry in ClinVar:

NM_024675.4(PALB2):c.1475G>T (p.Gly492Val)

Gene: PALB2 (partner and localizer of BRCA2; minus strand). Cytogenetic location: 16p12.2.
Variant type: single nucleotide variant.
Coding change: c.1475G>T on transcript NM_024675.4 (MANE Select); coding-DNA position 1475, G replaced by T.
Protein change: p.Gly492Val; replaces glycine 492 with valine.
Molecular consequence: missense variant.
Genome position (GRCh38, 1-based): chr16:23,635,071, C>A on the plus strand (G>T on the coding strand, the complement: PALB2 is on the minus strand). VCF-style: chr16-23635071-C-A. GRCh37 (hg19) VCF-style: chr16-23646392-C-A.
Other names: short protein forms G492V.
Identifiers: ClinVar variation 126605 (VCV000126605.3), dbSNP rs515726070, ClinGen allele CA269498.
Genomic context (GRCh38, chr16:23,635,071, plus strand): 5'-TATCTTCTACCAGGTGCTTGGGCAACTGCCTTCCTAGACAAGTCATTATCTTCAGTGGGC[C>A]CAGCGGGAGAGCTGACTTTAGTTAATGAGAGAAGTTTCTGAGAGGTTCTTGAACTTGGTT-3'
Protein context (NP_078951.2, residues 482-502): LSLTKVSSPA[Gly492Val]PTEDNDLSRK

ClinVar aggregate classification (germline): Uncertain significance (0 of 4 stars; one submission).

Conditions:
Familial cancer of breast. Also called: BREAST CANCER, FAMILIAL; hereditary breast carcinoma; Hereditary breast cancer. Identifiers: Orphanet 227535, MedGen C0346153, MONDO:0016419, OMIM 114480. Disease mechanism: loss of function.

Submission:

Leiden Open Variation Database
Classification: Uncertain significance for Familial cancer of breast. Last evaluated: 2019-05-13. Review status: no assertion criteria provided. Collection method: curation. Allele origin: germline. Affected: yes.
Comment: Curators: Marc Tischkowitz, Arleen D. Auerbach. Submitter to LOVD: Marc Tischkowitz.

Literature cited by the submitters: PubMed 23448497.